The following is an entry in ClinVar:

ClinVar aggregate classification (germline): Uncertain significance (1 of 4 stars; one submission).

gnomAD v4.1: 8 of 1,613,032 alleles (0.0005%); highest among the groups gnomAD compares: Non-Finnish European, 0.00051%; no homozygotes.

Submission:

Labcorp Genetics (formerly Invitae), Labcorp
Classification: Uncertain significance. Last evaluated: 2023-12-11. Review status: criteria provided, single submitter. Criteria: Invitae Variant Classification Sherloc (09022015). Collection method: clinical testing. Allele origin: germline.
Comment: This sequence change replaces asparagine, which is neutral and polar, with aspartic acid, which is acidic and polar, at codon 1067 of the PCLO protein (p.Asn1067Asp). This variant is not present in population databases (gnomAD no frequency). This variant has not been reported in the literature in individuals affected with PCLO-related conditions. ClinVar contains an entry for this variant (Variation ID: 1432757). Experimental studies and prediction algorithms are not available or were not evaluated, and the functional significance of this variant is currently unknown. In summary, the available evidence is currently insufficient to determine the role of this variant in disease. Therefore, it has been classified as a Variant of Uncertain Significance.

NM_033026.6(PCLO):c.3199A>G (p.Asn1067Asp)

Gene: PCLO (piccolo presynaptic cytomatrix protein; minus strand). Cytogenetic location: 7q21.11.
Variant type: single nucleotide variant.
Coding change: c.3199A>G on transcript NM_033026.6 (MANE Select); coding-DNA position 3199, A replaced by G.
Protein change: p.Asn1067Asp; replaces asparagine 1067 with aspartic acid.
Molecular consequence: missense variant.
Genome position (GRCh38, 1-based): chr7:83,134,351, T>C on the plus strand (A>G on the coding strand, the complement: PCLO is on the minus strand). VCF-style: chr7-83134351-T-C. GRCh37 (hg19) VCF-style: chr7-82763667-T-C.
Other names: c.3199A>G, p.Asn1067Asp (NM_014510.3); short protein forms N1067D.
Identifiers: ClinVar variation 1432757 (VCV001432757.6), dbSNP rs1791657392, ClinGen allele CA367897100.